The following is an entry in ClinVar:

ClinVar aggregate classification (germline): Pathogenic (1 of 4 stars; one submission).

Conditions:
Retinitis pigmentosa 25 (RP25). Identifiers: Orphanet 791, MedGen C1864446, MONDO:0011272, OMIM 602772.

Submission:

Maternalfetal Medicine, Genetics and Reproduction, University Hospital Virgen del Rocio/CIBERER
Classification: Pathogenic for Retinitis pigmentosa 25. Last evaluated: 2024-02-22. Review status: criteria provided, single submitter. Criteria: ACMG Guidelines, 2015. Collection method: clinical testing. Allele origin: germline. Inheritance: Autosomal recessive inheritance. Affected: yes. Observed: 1 compound heterozygote.
Comment: Insertion of a MEI (AluYa5) in the coding exon 43 of the EYS gene disrupting the last coding exon of the gene. Found in trans with a pathogenic allele (EYS Exón 32-33 deletion), segregating with the disease in an ARRP family.

NM_001142800.2(EYS):c.9402_9403insGGCGGGATCTCGGCTCACTGCAAGCTCCGCCTCCCGGGTTCACGCCATTCTCCTGCCTCAGCCTCCCAAGGAGCTGGGACTACAGGCGCCCGCCACTACGCCCGGCTAATTTTTTGTATTTTTAGTAGAGACGGGGTTTCACCGTTTTAGCCGGGATGGTCTCGATCTCCTGACCTCGTGATCCGCCCGCCTCGGCCTCCCAAAGTGCTGGGATTACAGGCGTGAGCCACCGCGCCCGGCC (p.Tyr3135delinsGlyGlyIleSerAlaHisCysLysLeuArgLeuProGlySerArgHisSerProAlaSerAlaSerGlnGlyAlaGlyThrThrGlyAlaArgHisTyrAlaArgLeuIlePheCysIlePheSerArgAspGlyValSerProPheTer)

Genes: EYS (eyes shut homolog; minus strand), PHF3 (PHD finger protein 3; plus strand). Cytogenetic location: 6q12.
Variant type: Insertion.
Coding change: c.9402_9403insGGCGGGATCTCGGCTCACTGCAAGCTCCGCCTCCCGGGTTCACGCCATTCTCCTGCCTCAGCCTCCCAAGGAGCTGGGACTACAGGCGCCCGCCACTACGCCCGGCTAATTTTTTGTATTTTTAGTAGAGACGGGGTTTCACCGTTTTAGCCGGGATGGTCTCGATCTCCTGACCTCGTGATCCGCCCGCCTCGGCCTCCCAAAGTGCTGGGATTACAGGCGTGAGCCACCGCGCCCGGCC on transcript NM_001142800.2 (MANE Select); coding-DNA positions 9402 to 9403, GGCGGGATCTCGGCTCACTGCAAGCTCCGCCTCCCGGGTTCACGCCATTCTCCTGCCTCAGCCTCCCAAGGAGCTGGGACTACAGGCGCCCGCCACTACGCCCGGCTAATTTTTTGTATTTTTAGTAGAGACGGGGTTTCACCGTTTTAGCCGGGATGGTCTCGATCTCCTGACCTCGTGATCCGCCCGCCTCGGCCTCCCAAAGTGCTGGGATTACAGGCGTGAGCCACCGCGCCCGGCC inserted.
Protein change: p.Tyr3135delinsGlyGlyIleSerAlaHisCysLysLeuArgLeuProGlySerArgHisSerProAlaSerAlaSerGlnGlyAlaGlyThrThrGlyAlaArgHisTyrAlaArgLeuIlePheCysIlePheSerArgAspGlyValSerProPheTer.
Molecular consequence: nonsense. On other transcripts: 3 prime UTR variant (5).
Genome position: GRCh38: chr6:63,720,628-63,720,629. GRCh37 (hg19): chr6:64,430,524-64,430,525.
Other names: NM_001142800.1:c.9402_9403ins352; NM_001142800.1:c.9402_9403insAluYa5; NM_001142800.1:c.9402_9403ins[[JQ403527.1:g.57_367];9388_9402]; c.*6920_*6921insGGCCGGGCGCGGTGGCTCACGCCTGTAATCCCAGCACTTTGGGAGGCCGAGGCGGGCGGATCACGAGGTCAGGAGATCGAGACCATCCCGGCTAAAACGGTGAAACCCCGTCTCTACTAAAAATACAAAAAATTAGCCGGGCGTAGTGGCGGGCGCCTGTAGTCCCAGCTCCTTGGGAGGCTGAGGCAGGAGAATGGCGTGAACCCGGGAGGCGGAGCTTGCAGTGAGCCGAGATCCCGCC (NM_001290259.2, NM_001370348.2, NM_001370349.2 and 2 more transcripts); c.9465_9466insGGCGGGATCTCGGCTCACTGCAAGCTCCGCCTCCCGGGTTCACGCCATTCTCCTGCCTCAGCCTCCCAAGGAGCTGGGACTACAGGCGCCCGCCACTACGCCCGGCTAATTTTTTGTATTTTTAGTAGAGACGGGGTTTCACCGTTTTAGCCGGGATGGTCTCGATCTCCTGACCTCGTGATCCGCCCGCCTCGGCCTCCCAAAGTGCTGGGATTACAGGCGTGAGCCACCGCGCCCGGCC, p.Tyr3156delinsGlyGlyIleSerAlaHisCysLysLeuArgLeuProGlySerArgHisSerProAlaSerAlaSerGlnGlyAlaGlyThrThrGlyAlaArgHisTyrAlaArgLeuIlePheCysIlePheSerArgAspGlyValSerProPheTer (NM_001292009.2).
Identifiers: ClinVar variation 3062179 (VCV003062179.2).